The following is an entry in ClinVar:

ClinVar aggregate classification (germline): Benign. Review status: criteria provided, multiple submitters, no conflicts (2 of 4 stars). 2 submissions from 2 submitters: Benign (2). Last evaluated 2018-01-13.

Conditions:
Autosomal recessive congenital ichthyosis 3 (ARCI3). Also called: ICHTHYOSIS, LAMELLAR, 5. Identifiers: MedGen C3539888, MONDO:0011680, OMIM 606545.

Allele frequency attached by ClinVar (database versions not stated): 1000 Genomes Project 0.01058; 1000 Genomes Project 30x 0.01156; gnomAD 0.02269 and 0.02186; gnomAD exomes 0.02528; TOPMed 0.02136.
gnomAD v4.1: 45,687 of 1,560,058 alleles (2.9%); highest among the groups gnomAD compares: Non-Finnish European, 3.3%; 780 homozygotes.

Submissions (2):

Illumina Laboratory Services, Illumina
Classification: Benign for Autosomal recessive congenital ichthyosis 3. Last evaluated: 2018-01-13. Review status: criteria provided, single submitter. Criteria: ICSL Variant Classification Criteria 13 December 2019. Collection method: clinical testing. Allele origin: germline.
Comment: This variant was observed in the ICSL laboratory as part of a predisposition screen in an ostensibly healthy population. It had not been previously curated by ICSL or reported in the Human Gene Mutation Database (HGMD: prior to June 1st, 2018), and was therefore a candidate for classification through an automated scoring system. Utilizing variant allele frequency, disease prevalence and penetrance estimates, and inheritance mode, an automated score was calculated to assess if this variant is too frequent to cause the disease. Based on the score and internal cut-off values, a variant classified as benign is not then subjected to further curation. The score for this variant resulted in a classification of benign for this disease.

Breakthrough Genomics
Classification: Benign. Review status: criteria provided, single submitter. Criteria: ACMG Guidelines, 2015. Collection method: not provided. Allele origin: germline. Inheritance: Autosomal recessive inheritance. Affected: yes.

NM_021628.3(ALOXE3):c.-99C>G

Genes: ALOXE3 (arachidonate epidermal lipoxygenase 3; minus strand), LOC126862485 (CDK7 strongly-dependent group 2 enhancer GRCh37_chr17:8020998-8022197; plus strand). Cytogenetic location: 17p13.1.
Variant type: single nucleotide variant.
Coding change: c.-99C>G on transcript NM_021628.3 (MANE Select); 99 bases upstream of the start codon, C replaced by G.
Molecular consequence: 5 prime UTR variant. On other transcripts: missense variant (1).
Genome position (GRCh38, 1-based): chr17:8,118,089, G>C on the plus strand (C>G on the coding strand, the complement: ALOXE3 is on the minus strand). VCF-style: chr17-8118089-G-C. GRCh37 (hg19) VCF-style: chr17-8021407-G-C.
Other names: c.298C>G, p.Arg100Gly (NM_001165960.1); c.-99C>G (NM_001369446.1); short protein forms R100G.
Identifiers: ClinVar variation 325978 (VCV000325978.6), dbSNP rs112227180, ClinGen allele CA8368567.
Genomic context (GRCh38, chr17:8,118,089, plus strand): 5'-GCAGCAGCAGCCGGCCTGGAGGAGAAGAGCGGCACGCCGGACAGGGCTGGGTTTCTGGGC[G>C]GAGGGCTAGGGGCTGCGGGGCTGGGTAGGGCTGAGGATGGGCCCAGCTCTCTCTGGGATG-3'